The following is an entry in ClinVar:

ClinVar aggregate classification (germline): Uncertain significance (1 of 4 stars; one submission).

Submission:

GeneDx
Classification: Uncertain significance. Last evaluated: 2026-03-23. Review status: criteria provided, single submitter. Criteria: GeneDx Variant Classification Process June 2021. Collection method: clinical testing. Allele origin: germline.
Comment: Not observed at significant frequency in large population cohorts (gnomAD); In-frame deletion of 1 amino acid(s) in a non-repeat region; In silico analysis supports a deleterious effect on protein structure/function; Has not been previously published as pathogenic or benign to our knowledge

NM_001128.6(AP1G1):c.1948TCT[1] (p.Ser651del)

Gene: AP1G1 (adaptor related protein complex 1 subunit gamma 1; minus strand). Cytogenetic location: 16q22.2.
Variant type: Microsatellite.
Coding change: c.1948TCT[1] on transcript NM_001128.6 (MANE Select); one copy of the 3-base unit TCT starting at c.1948; the reference has two copies in a row; one copy, 3 bases deleted.
Protein change: p.Ser651del; deletes serine 651.
Molecular consequence: inframe deletion.
Genome position (GRCh38, 1-based): chr16:71,745,190-71,745,192, AGA deleted on the plus strand (TCT on the coding strand, the reverse complement: AP1G1 is on the minus strand); deleting any 3 consecutive bases within chr16:71,745,190-71,745,195 gives the same sequence; the position shown is the placement nearest the transcript's 3' end. VCF-style (leftmost placement, unchanged base first): chr16-71745189-CAGA-C. GRCh37 (hg19) VCF-style: chr16-71779092-CAGA-C.
Other names: c.1957TCT[1], p.Ser654del (NM_001030007.2); short protein forms S651del, S654del.
Identifiers: ClinVar variation 5017013 (VCV005017013.1).